The following is an entry in ClinVar:

GRCh37/hg19 Xp21.1(chrX:31778982-32076838)x1

Gene: DMD (dystrophin; minus strand). Cytogenetic location: Xp21.1.
Variant type: copy number loss.
Change: copy number 1 of chrX:31,778,982-32,076,838 (297.9 kb, GRCh37 coordinates, 1-based), cytogenetic band Xp21.1.
Identifiers: ClinVar variation 979785 (VCV000979785.2).

ClinVar aggregate classification (germline): Pathogenic (1 of 4 stars; one submission).

Submission:

Quest Diagnostics Nichols Institute San Juan Capistrano
Classification: Pathogenic. Last evaluated: 2021-07-30. Review status: criteria provided, single submitter. Criteria: ACMG/ClinGen CNV Guidelines, 2019. Collection method: clinical testing. Allele origin: unknown.
Comment: This deletion interval involves approximately exons 45-51 of the DMD (dystrophin) gene (OMIM 300377). X-linked recessive dystrophinopathies including Becker Muscular Dystrophy (BMD)(OMIM 300376), Duchenne Muscular Dystrophy (DMD)(OMIM 310200), and DMD-Associated Dilated Cardiomyopathy (OMIM 302045) are X-linked recessive disorders caused by entire or intragenic DMD deletions and duplications as well as sequence variants, primarily affecting the isoform expressed in the skeletal muscles. Age of onset and severity of progressive muscular weakness depend on the mutation characteristics (i.e., out- or in-frame in the case of exonic deletions or duplications). Manifesting carriers may demonstrate variable degrees of symptoms (mild, moderate, or severe muscular dystrophy) depending, in part, on patterns of X-chromosome inactivation. Carrier females might be at risk for dilated cardiomyopathy (DCM) (Darras BT et al., GeneReviews [Internet].